The following is an entry in ClinVar:

NM_001385641.1(SAMD11):c.1829C>T (p.Ser610Phe)

Gene: SAMD11 (sterile alpha motif domain containing 11; plus strand). Cytogenetic location: 1p36.33.
Variant type: single nucleotide variant.
Coding change: c.1829C>T on transcript NM_001385641.1 (MANE Select); coding-DNA position 1829, C replaced by T.
Protein change: p.Ser610Phe; replaces serine 610 with phenylalanine.
Molecular consequence: missense variant.
Genome position (GRCh38, 1-based): chr1:942,834, C>T. VCF-style: chr1-942834-C-T. GRCh37 (hg19) VCF-style: chr1-878214-C-T.
Other names: c.1832C>T, p.Ser611Phe (NM_001385640.1); c.1340C>T, p.Ser447Phe (NM_152486.4); short protein forms S447F, S610F, S611F.
Identifiers: ClinVar variation 1060504 (VCV001060504.9), dbSNP rs1041991580, ClinGen allele CA16725211.

ClinVar aggregate classification (germline): Uncertain significance (1 of 4 stars; one submission).

Submission:

Labcorp Genetics (formerly Invitae), Labcorp
Classification: Uncertain significance. Last evaluated: 2020-04-09. Review status: criteria provided, single submitter. Criteria: Invitae Variant Classification Sherloc (09022015). Collection method: clinical testing. Allele origin: germline.
Comment: The frequency data for this variant in the population databases is considered unreliable, as metrics indicate insufficient coverage at this position in the ExAC database. This sequence change replaces serine with phenylalanine at codon 447 of the SAMD11 protein (p.Ser447Phe). The serine residue is moderately conserved and there is a large physicochemical difference between serine and phenylalanine. This variant has not been reported in the literature in individuals with SAMD11-related conditions. Algorithms developed to predict the effect of missense changes on protein structure and function are either unavailable or do not agree on the potential impact of this missense change (SIFT: "Tolerated"; PolyPhen-2: "Possibly Damaging"; Align-GVGD: "Class C15"). In summary, the available evidence is currently insufficient to determine the role of this variant in disease. Therefore, it has been classified as a Variant of Uncertain Significance.